The following is an entry in ClinVar:

NM_015374.3(SUN2):c.26C>T (p.Thr9Met)

Gene: SUN2 (Sad1 and UNC84 domain containing 2; minus strand). Cytogenetic location: 22q13.1.
Variant type: single nucleotide variant.
Coding change: c.26C>T on transcript NM_015374.3 (MANE Select); coding-DNA position 26, C replaced by T.
Protein change: p.Thr9Met; replaces threonine 9 with methionine.
Molecular consequence: missense variant.
Genome position (GRCh38, 1-based): chr22:38,752,603, G>A on the plus strand (C>T on the coding strand, the complement: SUN2 is on the minus strand). VCF-style: chr22-38752603-G-A. GRCh37 (hg19) VCF-style: chr22-39148608-G-A.
Other names: c.26C>T (NM_015374.2); c.26C>T, p.Thr9Met (NM_001199579.2, NM_001199580.2); short protein forms T9M.
Identifiers: ClinVar variation 1042816 (VCV001042816.8), dbSNP rs149995796, ClinGen allele CA10236132.
Genomic context (GRCh38, chr22:38,752,603, plus strand): 5'-CCAGCCACCGAGCTCCCTCCGCTGCTGCTGCTGCCGTCATCGTCACCCTGGGAGTAGCGC[G>A]TGAGGCGCTGGCTTCTTCGGGACATGATGAGGTGGGATGTGGACTCTTCCCCTGAAGAGA-3'
Protein context (NP_056189.1, residues 1-19): MSRRSQRL[Thr9Met]RYSQGDDDGS

ClinVar aggregate classification (germline): Uncertain significance. Review status: criteria provided, multiple submitters, no conflicts (2 of 4 stars). 2 submissions from 2 submitters: Uncertain significance (2). Last evaluated 2025-06-15.

Conditions:
Emery-Dreifuss muscular dystrophy (EDMD). Also called: Scapuloperoneal syndrome, X-linked (formerly); Humeroperoneal neuromuscular disease, (formerly). Identifiers: Orphanet 261, MedGen C0410189, MONDO:0016830.

Allele frequency attached by ClinVar (database versions not stated): gnomAD exomes 0.00005 and 0.00008; ExAC 0.00011; TOPMed 0.00011; 1000 Genomes Project 30x 0.00016; gnomAD 0.00017; 1000 Genomes Project 0.00020; ESP Exome Variant Server 0.00023.
gnomAD v4.1: 99 of 1,613,962 alleles (0.0061%); highest among the groups gnomAD compares: Admixed American, 0.033%; 1 homozygote.

Submissions (2):

Labcorp Genetics (formerly Invitae), Labcorp
Classification: Uncertain significance for Emery-Dreifuss muscular dystrophy. Last evaluated: 2025-06-15. Review status: criteria provided, single submitter. Criteria: Invitae Variant Classification Sherloc (09022015). Collection method: clinical testing. Allele origin: germline.
Comment: This sequence change replaces threonine, which is neutral and polar, with methionine, which is neutral and non-polar, at codon 9 of the SUN2 protein (p.Thr9Met). This variant is present in population databases (rs149995796, gnomAD 0.03%). This variant has not been reported in the literature in individuals affected with SUN2-related conditions. ClinVar contains an entry for this variant (Variation ID: 1042816). An algorithm developed to predict the effect of missense changes on protein structure and function (PolyPhen-2) suggests that this variant is likely to be disruptive. In summary, the available evidence is currently insufficient to determine the role of this variant in disease. Therefore, it has been classified as a Variant of Uncertain Significance.

Ambry Genetics
Classification: Uncertain significance. Last evaluated: 2024-12-06. Review status: criteria provided, single submitter. Criteria: Ambry Variant Classification Scheme 2023. Collection method: clinical testing. Allele origin: germline.